The following is an entry in ClinVar:

ClinVar aggregate classification (germline): Pathogenic/Likely pathogenic. Review status: criteria provided, multiple submitters, no conflicts (2 of 4 stars). 3 submissions from 3 submitters: Pathogenic (2); Likely pathogenic (1). Last evaluated 2023-01-09.

Conditions:
Familial cancer of breast. Also called: Hereditary breast cancer; BREAST CANCER, FAMILIAL; hereditary breast carcinoma. Identifiers: Orphanet 227535, MedGen C0346153, MONDO:0016419, OMIM 114480. Disease mechanism: loss of function.
Ataxia-telangiectasia syndrome (AT). Also called: Ataxia-telangiectasia, complementation group D; AT, COMPLEMENTATION GROUP C; Ataxia telangiectasia (A-T); Cerebello-oculocutaneous telangiectasia; Immunodeficiency with ataxia telangiectasia; ATAXIA-TELANGIECTASIA, COMPLEMENTATION GROUP A. Identifiers: Orphanet 100, MedGen C0004135, MONDO:0008840, OMIM 208900.

Submissions (3):

Myriad Genetics, Inc.
Classification: Pathogenic for Familial cancer of breast. Last evaluated: 2023-01-09. Review status: criteria provided, single submitter. Criteria: Myriad Autosomal Dominant, Autosomal Recessive and X-Linked Classification Criteria (2023). Collection method: clinical testing. Allele origin: unknown.
Comment: This variant is considered pathogenic. This variant creates a frameshift predicted to result in premature protein truncation.

Baylor Genetics
Classification: Likely pathogenic for Familial cancer of breast. Last evaluated: 2022-03-31. Review status: criteria provided, single submitter. Criteria: ACMG Guidelines, 2015. Collection method: clinical testing. Allele origin: unknown.

Labcorp Genetics (formerly Invitae), Labcorp
Classification: Pathogenic for Ataxia-telangiectasia syndrome. Last evaluated: 2018-08-30. Review status: criteria provided, single submitter. Criteria: Invitae Variant Classification Sherloc (09022015). Collection method: clinical testing. Allele origin: germline.
Comment: This sequence change creates a premature translational stop signal (p.Asn591Lysfs*2) in the ATM gene. It is expected to result in an absent or disrupted protein product. This variant is not present in population databases (ExAC no frequency). This variant has not been reported in the literature in individuals with ATM-related disease. Loss-of-function variants in ATM are known to be pathogenic (PMID: 23807571, 25614872). For these reasons, this variant has been classified as Pathogenic.

Literature cited by the submitters: PubMed 23807571 (cited by Labcorp Genetics (formerly Invitae), Labcorp); PubMed 25614872 (cited by Labcorp Genetics (formerly Invitae), Labcorp).

NM_000051.4(ATM):c.1772dup (p.Asn591fs)

Gene: ATM (ATM serine/threonine kinase; plus strand). Cytogenetic location: 11q22.3.
Variant type: Duplication.
Coding change: c.1772dup on transcript NM_000051.4 (MANE Select); coding-DNA position 1772, one base duplicated (A; older notation c.1772dupA).
Protein change: p.Asn591fs; shifts the reading frame from asparagine 591.
Molecular consequence: frameshift variant.
Genome position (GRCh38, 1-based): chr11:108,252,001, A duplicated; the last of 4 consecutive A bases (chr11:108,251,998-108,252,001); duplicating any one gives the same sequence. VCF-style (leftmost placement, unchanged base first): chr11-108251997-G-GA. GRCh37 (hg19) VCF-style: chr11-108122724-G-GA.
Other names: c.1772dupA (NM_000051.3); c.1772dup, p.Asn591fs (NM_001351834.2); short protein forms N591fs.
Identifiers: ClinVar variation 660811 (VCV000660811.8), dbSNP rs1591528248, ClinGen allele CA915948352.
Genomic context (GRCh38, chr11:108,251,997, plus strand): 5'-TTTTCTTTAAAGGAATCAATAATGAAATGGCTCTTATTCTATCAGTTAGAGGGTGACTTA[G>GA]AAAATAGCACAGAAGTGCCTCCAATTCTTCACAGGTAATTTAAGTTCATTAGCATGCTGC-3'